The following is an entry in ClinVar:

NM_005445.4(SMC3):c.-92G>T

Gene: SMC3 (structural maintenance of chromosomes 3; plus strand). Cytogenetic location: 10q25.2.
Variant type: single nucleotide variant.
Coding change: c.-92G>T on transcript NM_005445.4 (MANE Select); 92 bases upstream of the start codon, G replaced by T.
Molecular consequence: 5 prime UTR variant.
Genome position (GRCh38, 1-based): chr10:110,567,725, G>T. VCF-style: chr10-110567725-G-T. GRCh37 (hg19) VCF-style: chr10-112327483-G-T.
Identifiers: ClinVar variation 298760 (VCV000298760.5), dbSNP rs558632292, ClinGen allele CA10630941.

ClinVar aggregate classification (germline): Benign (1 of 4 stars; one submission).

Conditions:
Cornelia de Lange syndrome 3 (CDLS3). Also called: CORNELIA DE LANGE SYNDROME 3 WITH OR WITHOUT MIDLINE BRAIN DEFECTS; SMC3-Related Cornelia de Lange Syndrome. Identifiers: Orphanet 199, MedGen C1853099, MONDO:0012555, OMIM 610759.

Allele frequency attached by ClinVar (database versions not stated): TOPMed 0.00013; 1000 Genomes Project 30x 0.00031; 1000 Genomes Project 0.00040.
gnomAD v4.1: 292 of 1,499,262 alleles (0.019%); highest among the groups gnomAD compares: Non-Finnish European, 0.025%; no homozygotes.

Submission:

Illumina Laboratory Services, Illumina
Classification: Benign for Cornelia de Lange syndrome 3. Last evaluated: 2018-01-13. Review status: criteria provided, single submitter. Criteria: ICSL Variant Classification Criteria 13 December 2019. Collection method: clinical testing. Allele origin: germline.
Comment: This variant was observed in the ICSL laboratory as part of a predisposition screen in an ostensibly healthy population. It had not been previously curated by ICSL or reported in the Human Gene Mutation Database (HGMD: prior to June 1st, 2018), and was therefore a candidate for classification through an automated scoring system. Utilizing variant allele frequency, disease prevalence and penetrance estimates, and inheritance mode, an automated score was calculated to assess if this variant is too frequent to cause the disease. Based on the score and internal cut-off values, a variant classified as benign is not then subjected to further curation. The score for this variant resulted in a classification of benign for this disease.